The following is an entry in ClinVar:

ClinVar aggregate classification (germline): Benign (1 of 4 stars; one submission).

Conditions:
RFT1-congenital disorder of glycosylation (CDG1N). Also called: Congenital disorder of glycosylation type In; CDG In; RFT1-CDG. Identifiers: Orphanet 244310, MedGen C2677590, MONDO:0012783, OMIM 612015.

Allele frequency attached by ClinVar (database versions not stated): gnomAD 0.03436 and 0.03680; TOPMed 0.03890; 1000 Genomes Project 0.04293; 1000 Genomes Project 30x 0.04513.

Submission:

Illumina Laboratory Services, Illumina
Classification: Benign for RFT1-congenital disorder of glycosylation. Last evaluated: 2018-01-13. Review status: criteria provided, single submitter. Criteria: ICSL Variant Classification Criteria 13 December 2019. Collection method: clinical testing. Allele origin: germline.
Comment: This variant was observed in the ICSL laboratory as part of a predisposition screen in an ostensibly healthy population. It had not been previously curated by ICSL or reported in the Human Gene Mutation Database (HGMD: prior to June 1st, 2018), and was therefore a candidate for classification through an automated scoring system. Utilizing variant allele frequency, disease prevalence and penetrance estimates, and inheritance mode, an automated score was calculated to assess if this variant is too frequent to cause the disease. Based on the score and internal cut-off values, a variant classified as benign is not then subjected to further curation. The score for this variant resulted in a classification of benign for this disease.

NM_052859.4(RFT1):c.*1803T>A

Gene: RFT1 (RFT1 glycolipid translocator homolog; minus strand). Cytogenetic location: 3p21.1.
Variant type: single nucleotide variant.
Coding change: c.*1803T>A on transcript NM_052859.4 (MANE Select); 1803 bases downstream of the stop codon, T replaced by A.
Molecular consequence: 3 prime UTR variant.
Genome position (GRCh38, 1-based): chr3:53,090,100, A>T on the plus strand (T>A on the coding strand, the complement: RFT1 is on the minus strand). VCF-style: chr3-53090100-A-T. GRCh37 (hg19) VCF-style: chr3-53124116-A-T.
Identifiers: ClinVar variation 346163 (VCV000346163.5), dbSNP rs114029473, ClinGen allele CA10617011.